The following is an entry in ClinVar:

NM_000206.3(IL2RG):c.455T>C (p.Val152Ala)

Gene: IL2RG (interleukin 2 receptor subunit gamma; minus strand). Cytogenetic location: Xq13.1.
Variant type: single nucleotide variant.
Coding change: c.455T>C on transcript NM_000206.3 (MANE Select); coding-DNA position 455, T replaced by C.
Protein change: p.Val152Ala; replaces valine 152 with alanine.
Molecular consequence: missense variant.
Genome position (GRCh38, 1-based): chrX:71,110,295, A>G on the plus strand (T>C on the coding strand, the complement: IL2RG is on the minus strand). VCF-style: chrX-71110295-A-G. GRCh37 (hg19) VCF-style: chrX-70330145-A-G.
Other names: short protein forms V152A.
Identifiers: ClinVar variation 36386 (VCV000036386.6), dbSNP rs193922348, ClinGen allele CA260413.

ClinVar aggregate classification (germline): Pathogenic/Likely pathogenic. Review status: criteria provided, multiple submitters, no conflicts (2 of 4 stars). 3 submissions from 3 submitters: Pathogenic (1); Likely pathogenic (1). 1 of the submissions does not count toward it. Last evaluated 2013-08-27.

Conditions:
X-linked severe combined immunodeficiency (SCIDX1). Also called: IMMUNODEFICIENCY 4; X-Linked Combined Immunodeficiency Diseases; SCID, X-LINKED; SEVERE COMBINED IMMUNODEFICIENCY, X-LINKED, T CELL-NEGATIVE, B CELL-POSITIVE, NK CELL-NEGATIVE; T-B+ severe combined immunodeficiency due to gamma chain deficiency. Identifiers: Orphanet 276, MedGen C6022468, MONDO:0010315, OMIM 300400. Disease mechanism: loss of function.

Submissions (3):

UCLA Clinical Genomics Center, UCLA
Classification: Pathogenic for X-linked severe combined immunodeficiency. Last evaluated: 2013-08-27. Review status: criteria provided, single submitter. Criteria: Lee et al. (JAMA. 2014). Collection method: clinical testing. Allele origin: germline. Inheritance: X-linked inheritance. Affected: yes. Study: CES.

Women's Health and Genetics/Laboratory Corporation of America, LabCorp
Classification: Likely pathogenic for X-linked Severe Combined Immunodeficiency. Last evaluated: 2011-08-18. Review status: criteria provided, single submitter. Criteria: LabCorp Variant Classification Summary - May 2015. Collection method: curation, clinical testing. Allele origin: germline. Inheritance: Xlinked recessive. Affected: yes. Observed: 1 variant allele.
ClinVar note: Converted during submission from likely pathogenic to Likely pathogenic.

Immunology Clinic, Ucla
Classification: Pathogenic for X-linked severe combined immunodeficiency. Last evaluated: 2017-08-11. Review status: no assertion criteria provided. Collection method: research. Allele origin: maternal, not applicable. Inheritance: X-linked inheritance. Affected: yes. Observed: 1 hemizygote. Functional consequence: protein loss of function. Not counted in ClinVar's aggregate classification.

Literature cited by the submitters: PubMed 8961626 (cited by Women's Health and Genetics/Laboratory Corporation of America, LabCorp); PubMed 8557662 (cited by Women's Health and Genetics/Laboratory Corporation of America, LabCorp); PubMed 11129345 (cited by Women's Health and Genetics/Laboratory Corporation of America, LabCorp).